The following is an entry in ClinVar:

ClinVar aggregate classification (germline): Pathogenic/Likely pathogenic. Review status: criteria provided, multiple submitters, no conflicts (2 of 4 stars). 2 submissions from 2 submitters: Pathogenic (1); Likely pathogenic (1). Last evaluated 2023-07-09.

Conditions:
TYK2-related disorder. Also called: TYK2-related condition.
Immunodeficiency 35 (IMD35). Also called: TYK2 DEFICIENCY; HIES WITH ATYPICAL MYCOBACTERIOSIS, AUTOSOMAL RECESSIVE; HYPER-IgE SYNDROME WITH ATYPICAL MYCOBACTERIOSIS, AUTOSOMAL RECESSIVE; Susceptibility to infection due to TYK2 deficiency. Identifiers: Orphanet 331226, MedGen C1969086, MONDO:0012682, OMIM 611521.

Submissions (2):

Labcorp Genetics (formerly Invitae), Labcorp
Classification: Pathogenic for Immunodeficiency 35. Last evaluated: 2023-07-09. Review status: criteria provided, single submitter. Criteria: Invitae Variant Classification Sherloc (09022015). Collection method: clinical testing. Allele origin: germline.
Comment: For these reasons, this variant has been classified as Pathogenic. This variant has not been reported in the literature in individuals affected with TYK2-related conditions. This variant is not present in population databases (gnomAD no frequency). This sequence change creates a premature translational stop signal (p.Glu636Glyfs*12) in the TYK2 gene. It is expected to result in an absent or disrupted protein product. Loss-of-function variants in TYK2 are known to be pathogenic (PMID: 22402565, 26304966).

Blueprint Genetics
Classification: Likely pathogenic for TYK2-related disorders. Last evaluated: 2019-02-26. Review status: criteria provided, single submitter. Criteria: ACMG Guidelines, 2015. Collection method: clinical testing. Allele origin: germline. Affected: yes. Observed: 1 variant allele.

Literature cited by the submitters: PubMed 22402565 (cited by Labcorp Genetics (formerly Invitae), Labcorp); PubMed 26304966 (cited by Labcorp Genetics (formerly Invitae), Labcorp).

NM_003331.5(TYK2):c.1904dup (p.Glu636fs)

Gene: TYK2 (tyrosine kinase 2; minus strand). Cytogenetic location: 19p13.2.
Variant type: Duplication.
Coding change: c.1904dup on transcript NM_003331.5 (MANE Select); coding-DNA position 1904, one base duplicated (A; older notation c.1904dupA).
Protein change: p.Glu636fs; shifts the reading frame from glutamic acid 636.
Molecular consequence: frameshift variant. On other transcripts: intron variant (1).
Genome position (GRCh38, 1-based): chr19:10,361,825, T duplicated on the plus strand (A on the coding strand, the reverse complement: TYK2 is on the minus strand). VCF-style (leftmost placement, unchanged base first): chr19-10361824-C-CT. GRCh37 (hg19) VCF-style: chr19-10472500-C-CT.
Other names: c.1904dup, p.Glu636fs (NM_001385197.1, NM_001385198.1, NM_001385200.1 and 3 more transcripts); c.1706dup, p.Glu570fs (NM_001385201.1); c.1820dup, p.Glu608fs (NM_001385202.1); c.1814dup, p.Glu606fs (NM_001385205.1); c.1778dup, p.Glu594fs (NM_001385206.1); c.1886dup, p.Glu630fs (NM_001385207.1); c.1774-227dup (NM_001385199.1); short protein forms E636fs, E570fs, E594fs, E606fs, E608fs, E630fs.
Identifiers: ClinVar variation 2739687 (VCV002739687.4), dbSNP rs2512526008, ClinGen allele CA2697556264.